The following is an entry in ClinVar:

NM_017780.4(CHD7):c.6638C>G (p.Ser2213Cys)

Gene: CHD7 (chromodomain helicase DNA binding protein 7; plus strand). Cytogenetic location: 8q12.2.
Variant type: single nucleotide variant.
Coding change: c.6638C>G on transcript NM_017780.4 (MANE Select); coding-DNA position 6638, C replaced by G.
Protein change: p.Ser2213Cys; replaces serine 2213 with cysteine.
Molecular consequence: missense variant. On other transcripts: intron variant (1).
Genome position (GRCh38, 1-based): chr8:60,853,363, C>G. VCF-style: chr8-60853363-C-G. GRCh37 (hg19) VCF-style: chr8-61765922-C-G.
Other names: c.1717-8866C>G (NM_001316690.1); short protein forms S2213C.
Identifiers: ClinVar variation 1805558 (VCV001805558.3), dbSNP rs2488046629, ClinGen allele CA371326004.

ClinVar aggregate classification (germline): Uncertain significance. Review status: criteria provided, multiple submitters, no conflicts (2 of 4 stars). 2 submissions from 2 submitters: Uncertain significance (2). Last evaluated 2024-05-27.

Conditions:
CHARGE syndrome (CHARGE). Also called: Hittner Hirsch Kreh syndrome; CHARGE ASSOCIATION--COLOBOMA, HEART ANOMALY, CHOANAL ATRESIA, RETARDATION, GENITAL AND EAR ANOMALIES; Coloboma, heart anomaly, choanal atresia, retardation, genital and ear anomalies; CHARGE association; Hall-Hittner syndrome. Identifiers: Orphanet 138, MedGen C0265354, MONDO:0008965.

Allele frequency attached by ClinVar (database versions not stated): gnomAD exomes below 0.00001.
gnomAD v4.1: 1 of 1,561,390 alleles (0.000064%); highest among the groups gnomAD compares: Non-Finnish European, 0.000086%; no homozygotes.

Submissions (2):

Labcorp Genetics (formerly Invitae), Labcorp
Classification: Uncertain significance for CHARGE syndrome. Last evaluated: 2024-05-27. Review status: criteria provided, single submitter. Criteria: Invitae Variant Classification Sherloc (09022015). Collection method: clinical testing. Allele origin: germline.
Comment: This sequence change replaces serine, which is neutral and polar, with cysteine, which is neutral and slightly polar, at codon 2213 of the CHD7 protein (p.Ser2213Cys). This variant is not present in population databases (gnomAD no frequency). This variant has not been reported in the literature in individuals affected with CHD7-related conditions. ClinVar contains an entry for this variant (Variation ID: 1805558). Advanced modeling of protein sequence and biophysical properties (such as structural, functional, and spatial information, amino acid conservation, physicochemical variation, residue mobility, and thermodynamic stability) performed at Invitae indicates that this missense variant is not expected to disrupt CHD7 protein function with a negative predictive value of 80%. In summary, the available evidence is currently insufficient to determine the role of this variant in disease. Therefore, it has been classified as a Variant of Uncertain Significance.

Victorian Clinical Genetics Services, Murdoch Childrens Research Institute
Classification: Uncertain significance for CHARGE syndrome. Last evaluated: 2020-05-25. Review status: criteria provided, single submitter. Criteria: ACMG Guidelines, 2015. Collection method: clinical testing. Allele origin: germline. Inheritance: Autosomal dominant inheritance.
Comment: A heterozygous missense variant was identified, NM_017780.2(CHD7):c.6638C>G in exon 31 of 38 of the CHD7 gene (NB: this variant is non-coding in an alternative transcript). This substitution is predicted to create a major amino acid change from a serine to a cysteine at position 2213 of the protein; NP_060250.2(CHD7):p.(Ser2213Cys). The serine at this position has low conservation (100 vertebrates, UCSC), and is not situated in a known functional domain (NCBI). In silico software predicts this variant to be tolerated (Polyphen, SIFT, CADD, Mutation Taster). The variant is not present in the gnomAD population database. An alternative residue change at the same location has been reported in the gnomAD database at a frequency of 0.0005%. This variant has not previously been reported in clinical cases. Based on information available at the time of curation, this variant has been classified as a VUS with LOW CLINICAL RELEVANCE.